The following is an entry in ClinVar:

NM_001290060.2(SEMA3B):c.1301C>T (p.Ala434Val)

Gene: SEMA3B (semaphorin 3B; plus strand). Cytogenetic location: 3p21.31.
Variant type: single nucleotide variant.
Coding change: c.1301C>T on transcript NM_001290060.2 (MANE Select); coding-DNA position 1301, C replaced by T.
Protein change: p.Ala434Val; replaces alanine 434 with valine.
Molecular consequence: missense variant. On other transcripts: non-coding transcript variant (1).
Genome position (GRCh38, 1-based): chr3:50,274,526, C>T. VCF-style: chr3-50274526-C-T. GRCh37 (hg19) VCF-style: chr3-50311957-C-T.
Other names: c.1298C>T, p.Ala433Val (NM_001005914.3); c.1316C>T, p.Ala439Val (NM_001290061.1); c.272C>T, p.Ala91Val (NM_001290062.2, NM_001290063.2); c.1301C>T, p.Ala434Val (NM_004636.4); short protein forms A433V, A434V, A439V, A91V.
Identifiers: ClinVar variation 3353634 (VCV003353634.1).

ClinVar aggregate classification (germline): Likely benign (0 of 4 stars; one submission).

Conditions:
SEMA3B-related disorder. Also called: SEMA3B-related condition.

Submission:

PreventionGenetics, part of Exact Sciences
Classification: Likely benign for SEMA3B-related condition. Last evaluated: 2022-12-16. Review status: no assertion criteria provided. Collection method: clinical testing. Allele origin: germline.
Comment: This variant is classified as likely benign based on ACMG/AMP sequence variant interpretation guidelines (Richards et al. 2015 PMID: 25741868, with internal and published modifications).